The following is an entry in ClinVar:

NM_000048.4(ASL):c.-44+9G>A

Genes: ASL (argininosuccinate lyase; plus strand), LOC129998525 (ATAC-STARR-seq lymphoblastoid silent region 18203; plus strand). Cytogenetic location: 7q11.21.
Variant type: single nucleotide variant.
Coding change: c.-44+9G>A on transcript NM_000048.4 (MANE Select); 9 bases into the intron after 44 bases upstream of the start codon, G replaced by A.
Molecular consequence: intron variant. On other transcripts: 5 prime UTR variant (3).
Genome position (GRCh38, 1-based): chr7:66,075,865, G>A. VCF-style: chr7-66075865-G-A. GRCh37 (hg19) VCF-style: chr7-65540852-G-A.
Other names: c.-217G>A (NM_001024943.2, NM_001024944.2, NM_001024946.2).
Identifiers: ClinVar variation 360563 (VCV000360563.5), dbSNP rs558890925, ClinGen allele CA10626304.

ClinVar aggregate classification (germline): Conflicting classifications of pathogenicity. Review status: criteria provided, conflicting classifications (1 of 4 stars). 2 submissions from 2 submitters: Uncertain significance (1); Likely benign (1). Last evaluated 2018-01-12.

Conditions:
Argininosuccinate lyase deficiency. Also called: ARGININOSUCCINIC ACID LYASE DEFICIENCY; ASL DEFICIENCY; Argininosuccinic aciduria. Identifiers: Orphanet 23, MedGen C0268547, MONDO:0008815, OMIM 207900, HP:0025630.

Allele frequency attached by ClinVar (database versions not stated): TOPMed 0.00041; gnomAD exomes 0.00059; 1000 Genomes Project 30x 0.00094; 1000 Genomes Project 0.00140.
gnomAD v4.1: 334 of 574,598 alleles (0.058%); highest among the groups gnomAD compares: East Asian, 0.79%; 2 homozygotes.

Submissions (2):

Illumina Laboratory Services, Illumina
Classification: Uncertain significance for Argininosuccinate lyase deficiency. Last evaluated: 2018-01-12. Review status: criteria provided, single submitter. Criteria: ICSL Variant Classification Criteria 13 December 2019. Collection method: clinical testing. Allele origin: germline.

GeneDx
Classification: Likely benign. Last evaluated: 2017-06-19. Review status: criteria provided, single submitter. Criteria: GeneDx Variant Classification (06012015). Collection method: clinical testing. Allele origin: germline. Affected: yes.
Comment: This variant is considered likely benign or benign based on one or more of the following criteria: it is a conservative change, it occurs at a poorly conserved position in the protein, it is predicted to be benign by multiple in silico algorithms, and/or has population frequency not consistent with disease.